The following is an entry in ClinVar:

NM_024832.5(RIN3):c.2895TGG[1] (p.Gly972del)

Gene: RIN3 (Ras and Rab interactor 3; plus strand). Cytogenetic location: 14q32.12.
Variant type: Microsatellite.
Coding change: c.2895TGG[1] on transcript NM_024832.5 (MANE Select); one copy of the 3-base unit TGG starting at c.2895; the reference has two copies in a row; one copy, 3 bases deleted.
Protein change: p.Gly972del; deletes glycine 972.
Genome position (GRCh38, 1-based): chr14:92,688,192-92,688,194, TGG deleted; deleting any 3 consecutive bases within chr14:92,688,187-92,688,194 gives the same sequence; the position shown is the placement nearest the transcript's 3' end. VCF-style (leftmost placement, unchanged base first): chr14-92688186-CGGT-C. GRCh37 (hg19) VCF-style: chr14-93154531-CGGT-C.
Other names: c.2670TGG[1], p.Gly897del (NM_001319987.2); short protein forms G897del, G972del.
Identifiers: ClinVar variation 3055339 (VCV003055339.2), dbSNP rs535272965, ClinGen allele CA7317131.

ClinVar aggregate classification (germline): Likely benign (0 of 4 stars; one submission).

Conditions:
RIN3-related disorder. Also called: RIN3-related condition.

Submission:

PreventionGenetics, part of Exact Sciences
Classification: Likely benign for RIN3-related condition. Last evaluated: 2022-03-13. Review status: no assertion criteria provided. Collection method: clinical testing. Allele origin: germline.
Comment: This variant is classified as likely benign based on ACMG/AMP sequence variant interpretation guidelines (Richards et al. 2015 PMID: 25741868, with internal and published modifications).